The following is an entry in ClinVar:

NM_000051.4(ATM):c.7187_7190del (p.Thr2396fs)

Genes: ATM (ATM serine/threonine kinase; plus strand), C11orf65 (chromosome 11 open reading frame 65; minus strand). Cytogenetic location: 11q22.3.
Variant type: Deletion.
Coding change: c.7187_7190del on transcript NM_000051.4 (MANE Select); coding-DNA positions 7187 to 7190, 4 bases deleted (CTCA; older notation c.7187_7190delCTCA).
Protein change: p.Thr2396fs; shifts the reading frame from threonine 2396.
Molecular consequence: frameshift variant. On other transcripts: intron variant (2).
Genome position (GRCh38, 1-based): chr11:108,329,118-108,329,121, CTCA deleted; deleting any 4 consecutive bases within chr11:108,329,117-108,329,121 gives the same sequence; the c. name uses the placement nearest the transcript's 3' end. VCF-style (leftmost placement, unchanged base first): chr11-108329116-TACTC-T. GRCh37 (hg19) VCF-style: chr11-108199843-TACTC-T.
Other names: c.7187_7190del, p.Thr2396fs (NM_001351834.2); c.641-20049_641-20046del (NM_001330368.2); c.*38+6100_*38+6103del (NM_001351110.2); short protein forms T2396fs.
Identifiers: ClinVar variation 2679771 (VCV002679771.6), dbSNP rs2547248727, ClinGen allele CA2574971364.

ClinVar aggregate classification (germline): Pathogenic/Likely pathogenic. Review status: criteria provided, multiple submitters, no conflicts (2 of 4 stars). 4 submissions from 4 submitters: Pathogenic (3); Likely pathogenic (1). Last evaluated 2026-06-11.

Conditions:
Ataxia-telangiectasia syndrome (AT). Also called: LOUIS-BAR SYNDROME; Cerebello-oculocutaneous telangiectasia; Immunodeficiency with ataxia telangiectasia; Ataxia-telangiectasia, complementation group E; Ataxia-telangiectasia, complementation group D; AT, COMPLEMENTATION GROUP C. Identifiers: Orphanet 100, MedGen C0004135, MONDO:0008840, OMIM 208900.
Familial cancer of breast. Also called: BREAST CANCER, FAMILIAL; Hereditary breast cancer; hereditary breast carcinoma. Identifiers: Orphanet 227535, MedGen C0346153, MONDO:0016419, OMIM 114480. Disease mechanism: loss of function.
Hereditary cancer-predisposing syndrome. Also called: Hereditary Cancer Syndrome; Hereditary neoplastic syndrome; Neoplastic Syndromes, Hereditary; Tumor predisposition. Identifiers: Orphanet 140162, MedGen C0027672, MeSH D009386, MONDO:0015356.

Submissions (4):

Ambry Genetics
Classification: Pathogenic for Hereditary cancer-predisposing syndrome. Last evaluated: 2026-06-11. Review status: criteria provided, single submitter. Criteria: Ambry Variant Classification Scheme 2023. Collection method: clinical testing. Allele origin: germline.
Comment: The c.7187_7190delCTCA pathogenic mutation, located in coding exon 48 of the ATM gene, results from a deletion of 4 nucleotides at nucleotide positions 7187 to 7190, causing a translational frameshift with a predicted alternate stop codon (p.T2396Nfs*9). This variant is considered to be rare based on population cohorts in the Genome Aggregation Database (gnomAD). This variant is expected to result in loss of function by premature protein truncation or nonsense-mediated mRNA decay. As such, this variant is interpreted as a disease-causing mutation.

Labcorp Genetics (formerly Invitae), Labcorp
Classification: Pathogenic for Ataxia-telangiectasia syndrome. Last evaluated: 2025-09-03. Review status: criteria provided, single submitter. Criteria: Invitae Variant Classification Sherloc (09022015). Collection method: clinical testing. Allele origin: germline.
Comment: This sequence change creates a premature translational stop signal (p.Thr2396Asnfs*9) in the ATM gene. It is expected to result in an absent or disrupted protein product. Loss-of-function variants in ATM are known to be pathogenic (PMID: 23807571, 25614872). This variant is not present in population databases (gnomAD no frequency). This variant has not been reported in the literature in individuals affected with ATM-related conditions. ClinVar contains an entry for this variant (Variation ID: 2679771). For these reasons, this variant has been classified as Pathogenic.

Myriad Genetics, Inc.
Classification: Pathogenic for Familial cancer of breast. Last evaluated: 2024-01-31. Review status: criteria provided, single submitter. Criteria: Myriad Autosomal Dominant, Autosomal Recessive and X-Linked Classification Criteria (2023). Collection method: clinical testing. Allele origin: unknown.
Comment: This variant is considered pathogenic. This variant creates a frameshift predicted to result in premature protein truncation.

Baylor Genetics
Classification: Likely pathogenic for Familial cancer of breast. Last evaluated: 2022-05-23. Review status: criteria provided, single submitter. Criteria: ACMG Guidelines, 2015. Collection method: clinical testing. Allele origin: unknown.

Literature cited by the submitters: PubMed 23807571 (cited by Labcorp Genetics (formerly Invitae), Labcorp); PubMed 25614872 (cited by Labcorp Genetics (formerly Invitae), Labcorp).